The following is an entry in ClinVar:

NC_000017.10:g.(?_41251772)_(41256993_?)del

Gene: BRCA1 (BRCA1 DNA repair associated; minus strand). Cytogenetic location: 17q21.31.
Variant type: Deletion.
Identifiers: ClinVar variation 2425717 (VCV002425717.7).

ClinVar aggregate classification (germline): Pathogenic (1 of 4 stars; one submission).

Conditions:
Hereditary breast ovarian cancer syndrome. Also called: Hereditary breast and ovarian cancer syndrome (HBOC); Breast and ovarian cancer; Hereditary breast and/or ovarian cancer syndrome; Hereditary breast and ovarian cancer; BRCA1- and BRCA2-Associated Hereditary Breast and Ovarian Cancer; Hereditary breast and ovarian cancer syndrome. Identifiers: Orphanet 145, MedGen C0677776, MeSH D061325, MONDO:0003582. Disease mechanism: loss of function.

Submission:

Labcorp Genetics (formerly Invitae), Labcorp
Classification: Pathogenic for Hereditary breast ovarian cancer syndrome. Last evaluated: 2024-01-19. Review status: criteria provided, single submitter. Criteria: Invitae Variant Classification Sherloc (09022015). Collection method: clinical testing. Allele origin: germline.
Comment: This variant is a gross deletion of the genomic region encompassing exon(s) 5-7 of the BRCA1 gene. This deletion is out-of-frame, and is expected to create a premature termination codon and result in an absent or disrupted protein product. Loss-of-function variants in BRCA1 are known to be pathogenic (PMID: 20104584). A similar copy number variant has been observed in individual(s) with a personal or family history of breast or ovarian cancer (PMID: 16715518, 16772120, 18546071, 21232165, 27914478). For these reasons, this variant has been classified as Pathogenic.

Literature cited by the submitters: PubMed 20104584; PubMed 16715518; PubMed 16772120; PubMed 18546071; PubMed 21232165; PubMed 27914478.